The following is an entry in ClinVar:

ClinVar aggregate classification (germline): Uncertain significance (1 of 4 stars; one submission).

Conditions:
Myopathy, centronuclear, 2 (CNM2). Also called: MYOTUBULAR MYOPATHY, AUTOSOMAL RECESSIVE. Identifiers: Orphanet 169186, MedGen CN031787, MONDO:0009709, OMIM 255200.

Submission:

Labcorp Genetics (formerly Invitae), Labcorp
Classification: Uncertain significance for Myopathy, centronuclear, 2. Last evaluated: 2018-09-28. Review status: criteria provided, single submitter. Criteria: Invitae Variant Classification Sherloc (09022015). Collection method: clinical testing. Allele origin: germline.
Comment: In summary, the available evidence is currently insufficient to determine the role of this variant in disease. Therefore, it has been classified as a Variant of Uncertain Significance. Algorithms developed to predict the effect of sequence changes on RNA splicing suggest that this variant may create or strengthen a splice site, but this prediction has not been confirmed by published transcriptional studies. Algorithms developed to predict the effect of missense changes on protein structure and function are either unavailable or do not agree on the potential impact of this missense change (SIFT: "Tolerated"; PolyPhen-2: "Probably Damaging"; Align-GVGD: "Class C0"). This variant has not been reported in the literature in individuals with BIN1-related disease. This variant is not present in population databases (ExAC no frequency). This sequence change replaces glycine with valine at codon 58 of the BIN1 protein (p.Gly58Val). The glycine residue is highly conserved and there is a moderate physicochemical difference between glycine and valine.

NM_139343.3(BIN1):c.173G>T (p.Gly58Val)

Gene: BIN1 (bridging integrator 1; minus strand). Cytogenetic location: 2q14.3.
Variant type: single nucleotide variant.
Coding change: c.173G>T on transcript NM_139343.3 (MANE Select); coding-DNA position 173, G replaced by T.
Protein change: p.Gly58Val; replaces glycine 58 with valine.
Molecular consequence: missense variant.
Genome position (GRCh38, 1-based): chr2:127,070,809, C>A on the plus strand (G>T on the coding strand, the complement: BIN1 is on the minus strand). VCF-style: chr2-127070809-C-A. GRCh37 (hg19) VCF-style: chr2-127828385-C-A.
Other names: c.173G>T, p.Gly58Val (NM_001320632.2, NM_001320633.2, NM_001320640.2 and 10 more transcripts); c.101G>T, p.Gly34Val (NM_001320634.1); c.92G>T, p.Gly31Val (NM_001320642.1); short protein forms G31V, G34V, G58V.
Identifiers: ClinVar variation 641194 (VCV000641194.8), dbSNP rs1282156307, ClinGen allele CA348369910.